The following is an entry in ClinVar:

ClinVar aggregate classification (germline): Uncertain significance. Review status: criteria provided, single submitter (1 of 4 stars). 2 submissions from 2 submitters: Uncertain significance (1). 1 of the submissions does not count toward it. Last evaluated 2022-08-20.

Conditions:
Self-limited epilepsy with centrotemporal spikes. Also called: Rolandic epilepsy; Childhood epilepsy with centrotemporal spikes. Identifiers: Orphanet 1945, MedGen C0376532, MONDO:0007295.

Allele frequency attached by ClinVar (database versions not stated): gnomAD 0.00001; TOPMed 0.00001; gnomAD exomes 0.00004 and 0.00008; ExAC 0.00014.
gnomAD v4.1: 56 of 1,614,032 alleles (0.0035%); highest among the groups gnomAD compares: Non-Finnish European, 0.0038%; no homozygotes.

Submissions (2):

Labcorp Genetics (formerly Invitae), Labcorp
Classification: Uncertain significance. Last evaluated: 2022-08-20. Review status: criteria provided, single submitter. Criteria: Invitae Variant Classification Sherloc (09022015). Collection method: clinical testing. Allele origin: germline.
Comment: In summary, the available evidence is currently insufficient to determine the role of this variant in disease. Therefore, it has been classified as a Variant of Uncertain Significance. Algorithms developed to predict the effect of missense changes on protein structure and function are either unavailable or do not agree on the potential impact of this missense change (SIFT: "Tolerated"; PolyPhen-2: "Probably Damaging"; Align-GVGD: "Class C0"). ClinVar contains an entry for this variant (Variation ID: 433088). This variant has not been reported in the literature in individuals affected with SZT2-related conditions. This variant is present in population databases (rs747241860, gnomAD 0.01%). This sequence change replaces alanine, which is neutral and non-polar, with valine, which is neutral and non-polar, at codon 1269 of the SZT2 protein (p.Ala1269Val).

Bioinformatics Core, Luxembourg Center for Systems Biomedicine
Classification: Pathogenic for Self-limited epilepsy with centrotemporal spikes. Last evaluated: 2017-01-01. Review status: no assertion criteria provided. Collection method: case-control. Allele origin: germline. Affected: yes. Study: EUROEPINOMICS COGIE. Not counted in ClinVar's aggregate classification.

Literature cited by the submitters: PubMed 29358611 (cited by Bioinformatics Core, Luxembourg Center for Systems Biomedicine).

NM_001365999.1(SZT2):c.3977C>T (p.Ala1326Val)

Gene: SZT2 (SZT2 subunit of KICSTOR complex; plus strand). Cytogenetic location: 1p34.2.
Variant type: single nucleotide variant.
Coding change: c.3977C>T on transcript NM_001365999.1 (MANE Select); coding-DNA position 3977, C replaced by T.
Protein change: p.Ala1326Val; replaces alanine 1326 with valine.
Molecular consequence: missense variant.
Genome position (GRCh38, 1-based): chr1:43,428,297, C>T. VCF-style: chr1-43428297-C-T. GRCh37 (hg19) VCF-style: chr1-43893968-C-T.
Other names: c.3806C>T, p.Ala1269Val (NM_015284.4); short protein forms A1269V, A1326V.
Identifiers: ClinVar variation 433088 (VCV000433088.4), dbSNP rs747241860, ClinGen allele CA809159.